The following is an entry in ClinVar:

ClinVar aggregate classification (germline): Likely pathogenic. Review status: criteria provided, multiple submitters, no conflicts (2 of 4 stars). 5 submissions from 5 submitters: Likely pathogenic (5). Last evaluated 2024-01-23.

Conditions:
Familial adenomatous polyposis 3. Also called: NTHL1-associated polyposis; NTHL1-Related Adenomatous Polyposis and Colorectal Cancer; NTHL1-related attenuated familial adenomatous polyposis; NTHL1 Tumor Syndrome. Identifiers: Orphanet 220460, Orphanet 454840, MedGen C4225157, MONDO:0014630, OMIM 616415.
Hereditary cancer-predisposing syndrome. Also called: Neoplastic Syndromes, Hereditary; Tumor predisposition; Hereditary Cancer Syndrome; Hereditary neoplastic syndrome. Identifiers: Orphanet 140162, MedGen C0027672, MeSH D009386, MONDO:0015356.

Submissions (5):

Fulgent Genetics
Classification: Likely pathogenic for Familial adenomatous polyposis 3. Last evaluated: 2024-01-23. Review status: criteria provided, single submitter. Criteria: ACMG Guidelines, 2015. Collection method: clinical testing. Allele origin: germline.

Labcorp Genetics (formerly Invitae), Labcorp
Classification: Likely pathogenic. Last evaluated: 2023-10-19. Review status: criteria provided, single submitter. Criteria: Invitae Variant Classification Sherloc (09022015). Collection method: clinical testing. Allele origin: germline.
Comment: This sequence change affects a donor splice site in intron 3 of the NTHL1 gene. It is expected to disrupt RNA splicing. Variants that disrupt the donor or acceptor splice site typically lead to a loss of protein function (PMID: 16199547), and loss-of-function variants in NTHL1 are known to be pathogenic (PMID: 25938944, 26559593). This variant is not present in population databases (gnomAD no frequency). This variant has not been reported in the literature in individuals affected with NTHL1-related conditions. ClinVar contains an entry for this variant (Variation ID: 1319187). Algorithms developed to predict the effect of sequence changes on RNA splicing suggest that this variant may disrupt the consensus splice site. In summary, the currently available evidence indicates that the variant is pathogenic, but additional data are needed to prove that conclusively. Therefore, this variant has been classified as Likely Pathogenic.

Ambry Genetics
Classification: Likely pathogenic for Hereditary cancer-predisposing syndrome. Last evaluated: 2023-06-21. Review status: criteria provided, single submitter. Criteria: Ambry Variant Classification Scheme 2023. Collection method: clinical testing. Allele origin: germline.
Comment: The c.549+2T>G intronic variant results from a T to G substitution two nucleotides after coding exon 3 in the NTHL1 gene. Alterations that disrupt the canonical splice site are expected to result in aberrant splicing. In silico splice site analysis predicts that this alteration will weaken the native splice donor site and may result in the creation or strengthening of a novel splice donor site. The resulting transcript is predicted to be in-frame and is not expected to trigger nonsense-mediated mRNAdecay; however, direct evidence is unavailable. The exact functional effect of the altered amino acid sequence is unknown; however, a significant portion of the protein is affected, and the impacted region is critical for protein function (Ambry internal data). This variant is considered to be rare based on population cohorts in the Genome Aggregation Database (gnomAD). This nucleotide position is highly conserved in available vertebrate species. Based on the majority of available evidence to date, this variant is likely to be pathogenic.

Baylor Genetics
Classification: Likely pathogenic for Familial adenomatous polyposis 3. Last evaluated: 2022-10-13. Review status: criteria provided, single submitter. Criteria: ACMG Guidelines, 2015. Collection method: clinical testing. Allele origin: unknown.

Institute for Clinical Genetics, University Hospital TU Dresden, University Hospital TU Dresden
Classification: Likely pathogenic. Last evaluated: 2021-11-03. Review status: criteria provided, single submitter. Criteria: ACMG Guidelines, 2015. Collection method: clinical testing. Allele origin: germline.

Literature cited by the submitters: PubMed 16199547 (cited by Labcorp Genetics (formerly Invitae), Labcorp); PubMed 25938944 (cited by Labcorp Genetics (formerly Invitae), Labcorp); PubMed 26559593 (cited by Labcorp Genetics (formerly Invitae), Labcorp).

NM_002528.7(NTHL1):c.525+2T>G

Gene: NTHL1 (nth like DNA glycosylase 1; minus strand). Cytogenetic location: 16p13.3.
Variant type: single nucleotide variant.
Coding change: c.525+2T>G on transcript NM_002528.7 (MANE Select); the canonical splice donor site of the intron after coding-DNA position 525, T replaced by G.
Molecular consequence: splice donor variant. On other transcripts: intron variant (1).
Genome position (GRCh38, 1-based): chr16:2,044,628, A>C on the plus strand (T>G on the coding strand, the complement: NTHL1 is on the minus strand). VCF-style: chr16-2044628-A-C. GRCh37 (hg19) VCF-style: chr16-2094629-A-C.
Other names: c.195+2T>G (NM_001318194.2); c.355-902T>G (NM_001318193.2).
Identifiers: ClinVar variation 1319187 (VCV001319187.9), dbSNP rs2150942179, ClinGen allele CA394294037.